The following is an entry in ClinVar:

NM_003924.4(PHOX2B):c.750GGC[3] (p.Ala260del)

Genes: PHOX2B (paired like homeobox 2B; minus strand), LOC110011216 (paired like homeobox 2b polyalanine repeat instability region; plus strand). Cytogenetic location: 4p13.
Variant type: Microsatellite.
Coding change: c.750GGC[3] on transcript NM_003924.4 (MANE Select); three copies in a row of the 3-base unit GGC starting at c.750; the reference has four copies in a row; one copy, 3 bases deleted.
Protein change: p.Ala260del; deletes alanine 260.
Molecular consequence: inframe deletion.
Genome position (GRCh38, 1-based): chr4:41,745,991-41,745,993, GCC deleted on the plus strand (GGC on the coding strand, the reverse complement: PHOX2B is on the minus strand); deleting any 3 consecutive bases within chr4:41,745,991-41,746,004 gives the same sequence; the position shown is the placement nearest the transcript's 3' end. VCF-style (leftmost placement, unchanged base first): chr4-41745990-TGCC-T. GRCh37 (hg19) VCF-style: chr4-41748007-TGCC-T.
Other names: short protein forms A260del.
Identifiers: ClinVar variation 796109 (VCV000796109.13), dbSNP rs955563168, ClinGen allele CA551141167.

ClinVar aggregate classification (germline): Likely benign. Review status: criteria provided, multiple submitters, no conflicts (2 of 4 stars). 3 submissions from 3 submitters: Likely benign (2). 1 of the submissions does not count toward it. Last evaluated 2021-04-20.

Conditions:
PHOX2B-related disorder. Also called: PHOX2B-related condition.
Hereditary cancer-predisposing syndrome. Also called: Neoplastic Syndromes, Hereditary; Hereditary neoplastic syndrome; Tumor predisposition; Hereditary Cancer Syndrome. Identifiers: Orphanet 140162, MedGen C0027672, MeSH D009386, MONDO:0015356.
Haddad syndrome (OHD). Also called: Ondine-Hirschsprung disease. Identifiers: Orphanet 99803, MedGen C1859049, MONDO:0020493.

Submissions (3):

Sema4
Classification: Likely benign for Hereditary cancer-predisposing syndrome. Last evaluated: 2021-04-20. Review status: criteria provided, single submitter. Criteria: Sema4 Curation Guidelines. Collection method: curation. Allele origin: germline.

Labcorp Genetics (formerly Invitae), Labcorp
Classification: Likely benign for Haddad syndrome. Last evaluated: 2018-11-26. Review status: criteria provided, single submitter. Criteria: Invitae Variant Classification Sherloc (09022015). Collection method: clinical testing. Allele origin: germline.

PreventionGenetics, part of Exact Sciences
Classification: Likely benign for PHOX2B-related condition. Last evaluated: 2023-06-14. Review status: no assertion criteria provided. Collection method: clinical testing. Allele origin: germline. Not counted in ClinVar's aggregate classification.
Comment: This variant is classified as likely benign based on ACMG/AMP sequence variant interpretation guidelines (Richards et al. 2015 PMID: 25741868, with internal and published modifications).